The following is an entry in ClinVar:

ClinVar aggregate classification (germline): Uncertain significance (1 of 4 stars; one submission).

gnomAD v4.1: 2 of 1,475,338 alleles (0.00014%); highest among the groups gnomAD compares: South Asian, 0.0025%; no homozygotes.

Submission:

Ambry Genetics
Classification: Uncertain significance. Last evaluated: 2026-04-20. Review status: criteria provided, single submitter. Criteria: Ambry Variant Classification Scheme 2023. Collection method: clinical testing. Allele origin: germline.
Comment: The p.L4V variant (also known as c.10C>G), located in coding exon 1 of the PALLD gene, results from a C to G substitution at nucleotide position 10. The leucine at codon 4 is replaced by valine, an amino acid with highly similar properties. This amino acid position is conserved. In addition, this alteration is predicted to be tolerated by in silico analysis. Based on the available evidence, the clinical significance of this variant remains unclear.

NM_001166108.2(PALLD):c.1965-13021C>G

Gene: PALLD (palladin, cytoskeletal associated protein; plus strand). Cytogenetic location: 4q32.3.
Variant type: single nucleotide variant.
Coding change: c.1965-13021C>G on transcript NM_001166108.2 (MANE Select); 13021 bases into the intron before coding-DNA position 1965, C replaced by G.
Molecular consequence: intron variant. On other transcripts: missense variant (1).
Genome position (GRCh38, 1-based): chr4:168,877,901, C>G. VCF-style: chr4-168877901-C-G. GRCh37 (hg19) VCF-style: chr4-169799052-C-G.
Other names: c.10C>G, p.Leu4Val (NM_001166110.2); c.1965-13021C>G (NM_016081.4); c.819-13021C>G (NM_001166109.2); c.-157-13021C>G (NM_001367570.1, NM_001367568.1, NM_001367567.1 and 1 more transcripts); short protein forms L4V.
Identifiers: ClinVar variation 4861537 (VCV004861537.1).